The following is an entry in ClinVar:

ClinVar aggregate classification (germline): Uncertain significance (1 of 4 stars; one submission).

Conditions:
Ataxia-telangiectasia syndrome (AT). Also called: Cerebello-oculocutaneous telangiectasia; Immunodeficiency with ataxia telangiectasia; Ataxia-telangiectasia, complementation group E; Ataxia-telangiectasia, complementation group D; LOUIS-BAR SYNDROME; AT, COMPLEMENTATION GROUP C. Identifiers: Orphanet 100, MedGen C0004135, MONDO:0008840, OMIM 208900.

Submission:

Labcorp Genetics (formerly Invitae), Labcorp
Classification: Uncertain significance for Ataxia-telangiectasia syndrome. Last evaluated: 2023-03-04. Review status: criteria provided, single submitter. Criteria: Invitae Variant Classification Sherloc (09022015). Collection method: clinical testing. Allele origin: germline.
Comment: In summary, the available evidence is currently insufficient to determine the role of this variant in disease. Therefore, it has been classified as a Variant of Uncertain Significance. An algorithm developed to predict the effect of missense changes on protein structure and function (PolyPhen-2) suggests that this variant is likely to be disruptive. This variant has not been reported in the literature in individuals affected with ATM-related conditions. This variant is not present in population databases (gnomAD no frequency). This sequence change replaces tyrosine, which is neutral and polar, with aspartic acid, which is acidic and polar, at codon 1470 of the ATM protein (p.Tyr1470Asp).

NM_000051.4(ATM):c.4408T>G (p.Tyr1470Asp)

Gene: ATM (ATM serine/threonine kinase; plus strand). Cytogenetic location: 11q22.3.
Variant type: single nucleotide variant.
Coding change: c.4408T>G on transcript NM_000051.4 (MANE Select); coding-DNA position 4408, T replaced by G.
Protein change: p.Tyr1470Asp; replaces tyrosine 1470 with aspartic acid.
Molecular consequence: missense variant.
Genome position (GRCh38, 1-based): chr11:108,289,773, T>G. VCF-style: chr11-108289773-T-G. GRCh37 (hg19) VCF-style: chr11-108160500-T-G.
Other names: c.4408T>G, p.Tyr1470Asp (NM_001351834.2); short protein forms Y1470D.
Identifiers: ClinVar variation 2842978 (VCV002842978.3), dbSNP rs2135766011, ClinGen allele CA382532236.